The following continues an entry in ClinVar:

NM_004360.5(CDH1):c.88C>A (p.Pro30Thr)

Gene: CDH1. ClinVar aggregate classification (germline): Benign. Benign (1).

Submissions 16 to 28 of 28:

Illumina Laboratory Services, Illumina
Classification: Likely benign for Hereditary diffuse gastric adenocarcinoma. Last evaluated: 2017-04-27. Review status: criteria provided, single submitter. Criteria: ICSL Variant Classification Criteria 13 December 2019. Collection method: clinical testing. Allele origin: germline. Not counted in ClinVar's aggregate classification.
Comment: This variant was observed as part of a predisposition screen in an ostensibly healthy population. A literature search was performed for the gene, cDNA change, and amino acid change (where applicable). Publications were found based on this search. The evidence from the literature, in combination with allele frequency data from public databases where available, was sufficient to determine this variant is unlikely to cause disease. Therefore, this variant is classified as likely benign.

PreventionGenetics, part of Exact Sciences
Classification: Likely benign. Last evaluated: 2017-03-31. Review status: criteria provided, single submitter. Criteria: ACMG Guidelines, 2015. Collection method: clinical testing. Allele origin: germline. Not counted in ClinVar's aggregate classification.

Genetic Services Laboratory, University of Chicago
Classification: Likely benign. Last evaluated: 2016-10-05. Review status: criteria provided, single submitter. Criteria: ACMG Guidelines, 2015. Collection method: clinical testing. Allele origin: germline. Affected: no. Not counted in ClinVar's aggregate classification.

Laboratory for Molecular Medicine, Mass General Brigham Personalized Medicine
Classification: Likely benign. Last evaluated: 2016-03-29. Review status: criteria provided, single submitter. Criteria: LMM Criteria. Collection method: clinical testing. Allele origin: germline. Not counted in ClinVar's aggregate classification.
Comment: Variant identified in a genome or exome case(s) and assessed due to predicted null impact of the variant or pathogenic assertions in the literature or databases. Disclaimer: This variant has not undergone full assessment. The following are preliminary notes: Detected in 2 patients with orofacial clefts (Vogelaar 2013). Gene is strongly asociated with gastric cancer, there is limited evidence for association with orofacial clefts.

Color Diagnostics, LLC DBA Color Health
Classification: Likely benign for Hereditary cancer-predisposing syndrome. Last evaluated: 2015-10-27. Review status: criteria provided, single submitter. Criteria: ACMG Guidelines, 2015. Collection method: clinical testing. Allele origin: germline. Not counted in ClinVar's aggregate classification.

Ambry Genetics
Classification: Benign for Hereditary cancer-predisposing syndrome. Last evaluated: 2014-08-07. Review status: criteria provided, single submitter. Criteria: Ambry Variant Classification Scheme 2023. Collection method: clinical testing. Allele origin: germline. Not counted in ClinVar's aggregate classification.

True Health Diagnostics
Classification: Likely benign for Hereditary cancer-predisposing syndrome. Last evaluated: 2017-07-17. Review status: no assertion criteria provided. Collection method: clinical testing. Allele origin: germline. Not counted in ClinVar's aggregate classification.

Counsyl
Classification: Likely benign for Hereditary diffuse gastric adenocarcinoma. Last evaluated: 2016-05-27. Review status: no assertion criteria provided. Collection method: clinical testing. Allele origin: unknown. Not counted in ClinVar's aggregate classification.

Knight Diagnostic Laboratories, Oregon Health and Sciences University
Classification: Uncertain significance for Hereditary diffuse gastric adenocarcinoma. Last evaluated: 2016-01-27. Review status: no assertion criteria provided. Criteria: ACMG Guidelines, 2015. Collection method: clinical testing. Allele origin: germline. Affected: no. Study: CSER-NextGen. Not counted in ClinVar's aggregate classification.

CSER _CC_NCGL, University of Washington
Classification: Likely benign for Orofacial clefting. Last evaluated: 2014-06-01. Review status: no assertion criteria provided. Collection method: research. Allele origin: germline. Inheritance: Autosomal dominant inheritance. Study: ESP 6500 variant annotation. Not counted in ClinVar's aggregate classification.
Comment: Variants classified for the Actionable exomic incidental findings in 6503 participants: challenges of variant classification manuscript

ITMI
No classification provided. Condition: AllHighlyPenetrant. Last evaluated: 2013-09-19. Review status: no classification provided. Collection method: reference population. Allele origin: germline. Not counted in ClinVar's aggregate classification.
Comment: Please see associated publication for description of ethnicities

Department of Pathology and Laboratory Medicine, Sinai Health System
Classification: Likely benign. Review status: no assertion criteria provided. Collection method: clinical testing. Allele origin: unknown. Affected: yes. Observed: 14 variant alleles. Study: The Canadian Open Genetics Repository (COGR). Not counted in ClinVar's aggregate classification.
Comment: The CDH1 p.Pro30Thr variant was identified in 5 of 3312 proband chromosomes (frequency: 0.0015) from individuals or families with lobular breast cancer and Lynch syndrome and was present in 11 of 17412 control chromosomes (frequency: 0.0006) from healthy individuals (Molinaro 2014, Sarrio 2003, Schrader 2011, Yurgelun 2015). The variant was also identified in dbSNP (ID: rs139866691) as â€šÃ„ÃºWith other alleleâ€šÃ„Ã¹, ClinVar (as benign by Invitae and Ambry Gentics, likely benign by GeneDx, Illumina, Counsyl, Color Genomics, Laboratory for Molecular Medicine, University of Chicago, and University of Washington Medical Center, and as uncertain significance by Knight Diagnostic Laboratories), Clinvitae (4x with conflicting interpretations of pathogenicity), Cosmic (seen in breast cancer), Insight Colon Cancer Gene Variant Database (2x), and Zhejiang Colon Cancer Database (2x). The variant was not identified in the MutDB database. The variant was identified in control databases in 232 of 178576 chromosomes at a frequency of 0.001 increasing the likelihood this could be a low frequency benign variant (Genome Aggregation Database Feb 27, 2017). It was observed in the following populations: African in 3 of 15728 chromosomes (freq: 0.0002), Other in 11 of 4718 chromosomes (freq: 0.002), Latino in 31 of 24390 chromosomes (freq: 0.001), European in 178 of 71372 chromosomes (freq: 0.002), Finnish in 3 of 19552 chromosomes (freq: 0.0002), and South Asian in 6 of 22566 chromosomes (freq: 0.0003), while the variant was not observed in the Ashkenazi Jewish or East Asian populations. In a functional study in which RT-PCR was performed, the protein transcript was found to be normal (Molinaro 2014). A study of CDH1 variants in Hereditary Diffuse Gastric Cancer (HDGC) patients using in silico tools concluded the variant was structurally tolerated (Simoes Correia 2012). The variant was also found in 2 patients with orofacial clefts; during embryonic development, the cell adhesion molecule E-cadherin, encoded by CDH1, is highly expressed in the median edge epithelium of the palate (Vogelaar 2013). The p.Pro30 residue is conserved in mammals and computational analyses (PolyPhen-2, SIFT, AlignGVGD, BLOSUM, MutationTaster) provide inconsistent predictions regarding the impact to the protein; this information is not very predictive of pathogenicity. The variant occurs outside of the splicing consensus sequence and in silico or computational prediction software programs (SpliceSiteFinder, MaxEntScan, NNSPLICE, GeneSplicer, HumanSpliceFinder) do not predict a difference in splicing. In summary, based on the above information the clinical significance of this variant cannot be determined with certainty at this time although we would lean towards a more benign role for this variant. This variant is classified as likely benign.

Mayo Clinic Laboratories, Mayo Clinic
Classification: Uncertain significance. Review status: no assertion criteria provided. Collection method: clinical testing. Allele origin: unknown. Not counted in ClinVar's aggregate classification.

Literature cited by the submitters: PubMed 28135145 (cited by Quest Diagnostics Nichols Institute San Juan Capistrano and Women's Health and Genetics/Laboratory Corporation of America, LabCorp); PubMed 27978560 (cited by Quest Diagnostics Nichols Institute San Juan Capistrano and Women's Health and Genetics/Laboratory Corporation of America, LabCorp); PubMed 27616075 (cited by Quest Diagnostics Nichols Institute San Juan Capistrano and Women's Health and Genetics/Laboratory Corporation of America, LabCorp); PubMed 27153395 (cited by Quest Diagnostics Nichols Institute San Juan Capistrano); PubMed 27146957 (cited by Quest Diagnostics Nichols Institute San Juan Capistrano and Women's Health and Genetics/Laboratory Corporation of America, LabCorp); PubMed 25980754 (cited by Quest Diagnostics Nichols Institute San Juan Capistrano and Women's Health and Genetics/Laboratory Corporation of America, LabCorp); PubMed 26123647 (cited by Quest Diagnostics Nichols Institute San Juan Capistrano); PubMed 22470475 (cited by 4 submitters); PubMed 26759166 (cited by Quest Diagnostics Nichols Institute San Juan Capistrano); PubMed 26072394 (cited by 3 submitters); PubMed 12800196 (cited by Quest Diagnostics Nichols Institute San Juan Capistrano and Women's Health and Genetics/Laboratory Corporation of America, LabCorp); PubMed 24728327 (cited by 4 submitters); PubMed 20921021 (cited by 4 submitters); PubMed 23197654 (cited by 3 submitters); PubMed 24493355 (cited by 3 submitters); PubMed 29589180 (cited by Quest Diagnostics Nichols Institute San Juan Capistrano); PubMed 25637381 (cited by Quest Diagnostics Nichols Institute San Juan Capistrano and Counsyl); PubMed 36436516 (cited by European Reference Network on Genetic Tumour Risk Syndromes (ERN-GENTURIS), i3s - Instituto de Investigação e Inovação em Saúde, University of Porto); PubMed 25593300 (cited by Women's Health and Genetics/Laboratory Corporation of America, LabCorp); PubMed 26483394 (cited by Women's Health and Genetics/Laboratory Corporation of America, LabCorp); PubMed 27443514 (cited by Women's Health and Genetics/Laboratory Corporation of America, LabCorp); PubMed 27930734 (cited by Women's Health and Genetics/Laboratory Corporation of America, LabCorp); PubMed 28944238 (cited by Women's Health and Genetics/Laboratory Corporation of America, LabCorp); PubMed 28640387 (cited by Women's Health and Genetics/Laboratory Corporation of America, LabCorp); PubMed 29348693 (cited by Women's Health and Genetics/Laboratory Corporation of America, LabCorp); PubMed 2449335 (cited by Counsyl).